The following is an entry in ClinVar:

NM_005228.5(EGFR):c.1874C>G (p.Thr625Ser)

Gene: EGFR (epidermal growth factor receptor; plus strand). Cytogenetic location: 7p11.2.
Variant type: single nucleotide variant.
Coding change: c.1874C>G on transcript NM_005228.5 (MANE Select); coding-DNA position 1874, C replaced by G.
Protein change: p.Thr625Ser; replaces threonine 625 with serine.
Molecular consequence: missense variant.
Genome position (GRCh38, 1-based): chr7:55,165,431, C>G. VCF-style: chr7-55165431-C-G. GRCh37 (hg19) VCF-style: chr7-55233124-C-G.
Other names: c.1739C>G, p.Thr580Ser (NM_001346897.2, NM_001346899.2); c.1874C>G, p.Thr625Ser (NM_001346898.2, NM_201282.2, NM_201284.2); c.1715C>G, p.Thr572Ser (NM_001346900.2); c.1073C>G, p.Thr358Ser (NM_001346941.2); short protein forms T572S, T580S, T358S, T625S.
Identifiers: ClinVar variation 4016696 (VCV004016696.1).
Genomic context (GRCh38, chr7:55,165,431, plus strand): 5'-CCCTGGTCTGGAAGTACGCAGACGCCGGCCATGTGTGCCACCTGTGCCATCCAAACTGCA[C>G]CTACGGGTGAGTGGAAAGTGAAGGAGAACAGAACATTTCCTCTCTTGCAAATTCAGAGAT-3'
Protein context (NP_005219.2, residues 615-635): HVCHLCHPNC[Thr625Ser]YGCTGPGLEG

ClinVar aggregate classification (germline): Uncertain significance (1 of 4 stars; one submission).

Conditions:
Hereditary cancer-predisposing syndrome. Also called: Tumor predisposition; Hereditary neoplastic syndrome; Neoplastic Syndromes, Hereditary; Hereditary Cancer Syndrome. Identifiers: Orphanet 140162, MedGen C0027672, MeSH D009386, MONDO:0015356.

Submission:

Ambry Genetics
Classification: Uncertain significance for Hereditary cancer-predisposing syndrome. Last evaluated: 2025-04-03. Review status: criteria provided, single submitter. Criteria: Ambry Variant Classification Scheme 2023. Collection method: clinical testing. Allele origin: germline.
Comment: The p.T625S variant (also known as c.1874C>G), located in coding exon 15 of the EGFR gene, results from a C to G substitution at nucleotide position 1874. The threonine at codon 625 is replaced by serine, an amino acid with similar properties. This amino acid position is well conserved in available vertebrate species. In addition, this alteration is predicted to be tolerated by in silico analysis. Based on the available evidence, the clinical significance of this variant remains unclear.